The following is an entry in ClinVar:

ClinVar aggregate classification (germline): Benign. Review status: criteria provided, single submitter (1 of 4 stars). 2 submissions from 1 submitter: Benign (2). Last evaluated 2018-01-13.

Conditions:
Susceptibility to mononeuropathy of the median nerve, mild. Also called: CARPAL TUNNEL SYNDROME, SUSCEPTIBILITY TO. Identifiers: MedGen C3150596, MONDO:0013237, OMIM 613353.
Charcot-Marie-Tooth disease type 4C (CMT4C). Also called: CHARCOT-MARIE-TOOTH DISEASE, DEMYELINATING, TYPE 4C; SH3TC2-Related Hereditary Motor and Sensory Neuropathy; Charcot-Marie-Tooth Neuropathy Type 4C (CMT4C); CHARCOT-MARIE-TOOTH DISEASE, DEMYELINATING, AUTOSOMAL RECESSIVE, TYPE 4C; CMT 4C. Identifiers: Orphanet 99949, MedGen C1866636, MONDO:0011113, OMIM 601596.

Allele frequency attached by ClinVar (database versions not stated): gnomAD 0.00027 and 0.00044; TOPMed 0.00087; 1000 Genomes Project 30x 0.00344; 1000 Genomes Project 0.00399.
gnomAD v4.1: 66 of 152,182 alleles (0.043%); highest among the groups gnomAD compares: East Asian, 1.2%; 1 homozygote.

Submissions (2):

Illumina Laboratory Services, Illumina
Classification: Benign for Charcot-Marie-Tooth disease type 4C. Last evaluated: 2018-01-13. Review status: criteria provided, single submitter. Criteria: ICSL Variant Classification Criteria 13 December 2019. Collection method: clinical testing. Allele origin: germline.
Comment: This variant was observed in the ICSL laboratory as part of a predisposition screen in an ostensibly healthy population. It had not been previously curated by ICSL or reported in the Human Gene Mutation Database (HGMD: prior to June 1st, 2018), and was therefore a candidate for classification through an automated scoring system. Utilizing variant allele frequency, disease prevalence and penetrance estimates, and inheritance mode, an automated score was calculated to assess if this variant is too frequent to cause the disease. Based on the score and internal cut-off values, a variant classified as benign is not then subjected to further curation. The score for this variant resulted in a classification of benign for this disease.

Illumina Laboratory Services, Illumina
Classification: Benign for Susceptibility to mononeuropathy of the median nerve, mild. Last evaluated: 2018-01-13. Review status: criteria provided, single submitter. Criteria: ICSL Variant Classification Criteria 13 December 2019. Collection method: clinical testing. Allele origin: germline.
Comment: the same text as in the submission from Illumina Laboratory Services, Illumina above.

NM_024577.4(SH3TC2):c.*4603C>T

Gene: SH3TC2 (SH3 domain and tetratricopeptide repeats 2; minus strand). Cytogenetic location: 5q32.
Variant type: single nucleotide variant.
Coding change: c.*4603C>T on transcript NM_024577.4 (MANE Select); 4603 bases downstream of the stop codon, C replaced by T.
Molecular consequence: 3 prime UTR variant.
Genome position (GRCh38, 1-based): chr5:149,000,108, G>A on the plus strand (C>T on the coding strand, the complement: SH3TC2 is on the minus strand). VCF-style: chr5-149000108-G-A. GRCh37 (hg19) VCF-style: chr5-148379671-G-A.
Identifiers: ClinVar variation 904685 (VCV000904685.4), dbSNP rs144955630, ClinGen allele CA128991810.
Genomic context (GRCh38, chr5:149,000,108, plus strand): 5'-ACGTCCTCCAGAAAGCCCTTCCTGATGCCCGTAACCCTGTCTGGGTAAAATCCCTTCCCC[G>A]CAGTGCCTGTAACATCCTGTAACTAACACCAATCACAATGCTTCTGATACTGAATCATAT-3'